The following is an entry in ClinVar:

NM_003631.5(PARG):c.2659A>T (p.Ile887Leu)

Gene: PARG (poly(ADP-ribose) glycohydrolase; minus strand). Cytogenetic location: 10q11.23.
Variant type: single nucleotide variant.
Coding change: c.2659A>T on transcript NM_003631.5 (MANE Select); coding-DNA position 2659, A replaced by T.
Protein change: p.Ile887Leu; replaces isoleucine 887 with leucine.
Molecular consequence: missense variant. On other transcripts: non-coding transcript variant (7).
Genome position (GRCh38, 1-based): chr10:49,820,282, T>A on the plus strand (A>T on the coding strand, the complement: PARG is on the minus strand). VCF-style: chr10-49820282-T-A. GRCh37 (hg19) VCF-style: chr10-51028328-T-A.
Other names: c.2413A>T, p.Ile805Leu (NM_001303486.3, NM_001324381.3); c.2335A>T, p.Ile779Leu (NM_001303487.3); c.1417A>T, p.Ile473Leu (NM_001303489.3); short protein forms I473L, I779L, I887L, I805L.
Identifiers: ClinVar variation 2373478 (VCV002373478.2), dbSNP rs554713144, ClinGen allele CA5499119.
Genomic context (GRCh38, chr10:49,820,282, plus strand): 5'-ATTCTGAGTCCCCAAAGGTGAAATAAACCACATCTCGCTCAGCTGCAGCAGCTGCCAATA[T>A]CTGTATTAAGGCTGAGGCAAAGAGAAAAGACACGGCTATATCATGACATTTTCCACCTAG-3'
Protein context (NP_003622.2, residues 877-897): GDARLKALIQ[Ile887Leu]LAAAAAERDV

ClinVar aggregate classification (germline): Uncertain significance (1 of 4 stars; one submission).

Allele frequency attached by ClinVar (database versions not stated): gnomAD exomes 0.00003; ExAC 0.00014; 1000 Genomes Project 30x 0.00031; TOPMed 0.00031; gnomAD 0.00034; 1000 Genomes Project 0.00040.
gnomAD v4.1: 91 of 1,548,692 alleles (0.0059%); highest among the groups gnomAD compares: African/African-American, 0.12%; no homozygotes.

Submission:

Ambry Genetics
Classification: Uncertain significance. Last evaluated: 2021-09-14. Review status: criteria provided, single submitter. Criteria: Ambry Variant Classification Scheme 2023. Collection method: clinical testing. Allele origin: germline.
Comment: The c.2659A>T (p.I887L) alteration is located in exon (coding exon ) of the PARG gene. This alteration results from a A to T substitution at nucleotide position 2659, causing the isoleucine (I) at amino acid position 887 to be replaced by a leucine (L). Based on insufficient or conflicting evidence, the clinical significance of this alteration remains unclear.